The following is an entry in ClinVar:

ClinVar aggregate classification (germline): Conflicting classifications of pathogenicity. Review status: criteria provided, conflicting classifications (1 of 4 stars). 9 submissions from 7 submitters: Uncertain significance (1); Benign (4); Likely benign (4). Last evaluated 2026-09-01.

Conditions:
NLRP3-related disorder. Also called: NLRP3-related condition; NLRP3-Related Disorders.
Cryopyrin associated periodic syndrome (CAPS). Identifiers: Orphanet 208650, MedGen C2316212, MONDO:0016168.
Autoinflammatory syndrome. Identifiers: Orphanet 93665, MedGen C3890737, MONDO:0019751.
Familial cold autoinflammatory syndrome 1 (FCAS1). Also called: Familial cold inflammatory syndrome 1; CRYOPYRIN-ASSOCIATED PERIODIC SYNDROME 1. Identifiers: Orphanet 47045, MedGen C4551895, MONDO:0007349, OMIM 120100.
Familial amyloid nephropathy with urticaria AND deafness (MWS). Also called: MUCKLE-WELLS SYNDROME; CRYOPYRIN-ASSOCIATED PERIODIC SYNDROME 2; Urticaria, deafness and amyloidosis; UDA SYNDROME; URTICARIA-DEAFNESS-AMYLOIDOSIS SYNDROME. Identifiers: Orphanet 575, MedGen C0268390, MONDO:0008633, OMIM 191900.
Chronic infantile neurological, cutaneous and articular syndrome (CINCA). Also called: CHRONIC NEUROLOGIC CUTANEOUS AND ARTICULAR SYNDROME; CINCA syndrome; CRYOPYRIN-ASSOCIATED PERIODIC SYNDROME 3; Prieur Griscelli syndrome. Identifiers: Orphanet 1451, MedGen C0409818, MONDO:0011776, OMIM 607115.

Allele frequency attached by ClinVar (database versions not stated): TOPMed 0.00014; gnomAD exomes 0.00018 and 0.00034; ExAC 0.00019; gnomAD 0.00019 and 0.00021; ESP Exome Variant Server 0.00023.
gnomAD v4.1: 519 of 1,610,072 alleles (0.032%); highest among the groups gnomAD compares: Non-Finnish European, 0.041%; no homozygotes.

Submissions (9):

CeGaT Center for Human Genetics Tuebingen
Classification: Likely benign. Last evaluated: 2026-09-01. Review status: criteria provided, single submitter. Criteria: CeGaT Center For Human Genetics Tuebingen Variant Classification Criteria Version 2. Collection method: clinical testing. Allele origin: germline. Affected: yes. Observed: 5 variant alleles.
Comment: NLRP3: BP4, BP7

PreventionGenetics, part of Exact Sciences
Classification: Likely benign for NLRP3-related condition. Last evaluated: 2026-04-16. Review status: criteria provided, single submitter. Criteria: ACMG Guidelines, 2015. Collection method: clinical testing. Allele origin: germline.
Comment: This variant is classified as likely benign based on ACMG/AMP sequence variant interpretation guidelines (Richards et al. 2015 PMID: 25741868, with internal and published modifications).

Labcorp Genetics (formerly Invitae), Labcorp
Classification: Likely benign for Cryopyrin associated periodic syndrome. Last evaluated: 2025-12-30. Review status: criteria provided, single submitter. Criteria: Invitae Variant Classification Sherloc (09022015). Collection method: clinical testing. Allele origin: germline.

Blueprint Genetics
Classification: Likely benign. Last evaluated: 2024-10-17. Review status: criteria provided, single submitter. Criteria: ACMG Guidelines, 2015. Collection method: clinical testing. Allele origin: germline.

Genome Diagnostics Laboratory, The Hospital for Sick Children
Classification: Uncertain significance for Autoinflammatory syndrome. Last evaluated: 2020-02-01. Review status: criteria provided, single submitter. Criteria: ACMG Guidelines, 2015. Collection method: clinical testing. Allele origin: germline. Affected: yes.

Illumina Laboratory Services, Illumina
Classification: Benign for Familial amyloid nephropathy with urticaria AND deafness. Last evaluated: 2018-01-13. Review status: criteria provided, single submitter. Criteria: ICSL Variant Classification Criteria 13 December 2019. Collection method: clinical testing. Allele origin: germline.
Comment: This variant was observed in the ICSL laboratory as part of a predisposition screen in an ostensibly healthy population. It had not been previously curated by ICSL or reported in the Human Gene Mutation Database (HGMD: prior to June 1st, 2018), and was therefore a candidate for classification through an automated scoring system. Utilizing variant allele frequency, disease prevalence and penetrance estimates, and inheritance mode, an automated score was calculated to assess if this variant is too frequent to cause the disease. Based on the score and internal cut-off values, a variant classified as benign is not then subjected to further curation. The score for this variant resulted in a classification of benign for this disease.

Illumina Laboratory Services, Illumina
Classification: Benign for Familial cold autoinflammatory syndrome 1. Last evaluated: 2018-01-13. Review status: criteria provided, single submitter. Criteria: ICSL Variant Classification Criteria 13 December 2019. Collection method: clinical testing. Allele origin: germline.
Comment: the same text as in the submission from Illumina Laboratory Services, Illumina above.

Illumina Laboratory Services, Illumina
Classification: Benign for Chronic infantile neurological, cutaneous and articular syndrome. Last evaluated: 2018-01-13. Review status: criteria provided, single submitter. Criteria: ICSL Variant Classification Criteria 13 December 2019. Collection method: clinical testing. Allele origin: germline.
Comment: the same text as in the submission from Illumina Laboratory Services, Illumina above.

GeneDx
Classification: Benign. Last evaluated: 2013-12-14. Review status: criteria provided, single submitter. Criteria: GeneDx Variant Classification (06012015). Collection method: clinical testing. Allele origin: germline. Affected: yes.
Comment: This variant is considered likely benign or benign based on one or more of the following criteria: it is a conservative change, it occurs at a poorly conserved position in the protein, it is predicted to be benign by multiple in silico algorithms, and/or has population frequency not consistent with disease.

NM_001243133.2(NLRP3):c.2118C>T (p.Leu706=)

Gene: NLRP3 (NLR family pyrin domain containing 3; plus strand). Cytogenetic location: 1q44.
Variant type: single nucleotide variant.
Coding change: c.2118C>T on transcript NM_001243133.2 (MANE Select); coding-DNA position 2118, C replaced by T.
Protein change: p.Leu706=; no amino-acid change (leucine 706 retained).
Molecular consequence: synonymous variant.
Genome position (GRCh38, 1-based): chr1:247,425,567, C>T. VCF-style: chr1-247425567-C-T. GRCh37 (hg19) VCF-style: chr1-247588869-C-T.
Other names: p.L708L:CTC>CTT; c.2118C>T, p.Leu706= (NM_001079821.3, NM_001127461.3, NM_001127462.3 and 1 more transcripts); c.2124C>T, p.Leu708= (NM_004895.5).
Identifiers: ClinVar variation 138534 (VCV000138534.56), dbSNP rs149493236, ClinGen allele CA292573.